The following is an entry in ClinVar:

ClinVar aggregate classification (germline): Uncertain significance (1 of 4 stars; one submission).

Allele frequency attached by ClinVar (database versions not stated): gnomAD exomes below 0.00001.
gnomAD v4.1: 1 of 1,614,098 alleles (0.000062%); highest among the groups gnomAD compares: Admixed American, 0.0017%; no homozygotes.

Submission:

Labcorp Genetics (formerly Invitae), Labcorp
Classification: Uncertain significance. Last evaluated: 2023-07-10. Review status: criteria provided, single submitter. Criteria: Invitae Variant Classification Sherloc (09022015). Collection method: clinical testing. Allele origin: germline.
Comment: In summary, the available evidence is currently insufficient to determine the role of this variant in disease. Therefore, it has been classified as a Variant of Uncertain Significance. Algorithms developed to predict the effect of missense changes on protein structure and function output the following: SIFT: "Not Available"; PolyPhen-2: "Benign"; Align-GVGD: "Not Available". The glycine amino acid residue is found in multiple mammalian species, which suggests that this missense change does not adversely affect protein function. ClinVar contains an entry for this variant (Variation ID: 2055338). This variant has not been reported in the literature in individuals affected with KIF14-related conditions. This variant is present in population databases (no rsID available, gnomAD 0.003%). This sequence change replaces serine, which is neutral and polar, with glycine, which is neutral and non-polar, at codon 1558 of the KIF14 protein (p.Ser1558Gly).

NM_014875.3(KIF14):c.4672A>G (p.Ser1558Gly)

Gene: KIF14 (kinesin family member 14; minus strand). Cytogenetic location: 1q32.1.
Variant type: single nucleotide variant.
Coding change: c.4672A>G on transcript NM_014875.3 (MANE Select); coding-DNA position 4672, A replaced by G.
Protein change: p.Ser1558Gly; replaces serine 1558 with glycine.
Molecular consequence: missense variant.
Genome position (GRCh38, 1-based): chr1:200,553,663, T>C on the plus strand (A>G on the coding strand, the complement: KIF14 is on the minus strand). VCF-style: chr1-200553663-T-C. GRCh37 (hg19) VCF-style: chr1-200522791-T-C.
Other names: c.3199A>G, p.Ser1067Gly (NM_001305792.1); short protein forms S1067G, S1558G.
Identifiers: ClinVar variation 2055338 (VCV002055338.4), dbSNP rs1412982497, ClinGen allele CA344108934.